The following is an entry in ClinVar:

ClinVar aggregate classification (germline): Pathogenic (0 of 4 stars; one submission).

Conditions:
Nonsyndromic genetic hearing loss. Also called: Non-syndromic genetic deafness; Nonsyndromic genetic deafness; Nonsyndromic hearing loss and deafness. Identifiers: Orphanet 87884, MedGen C5680182, MONDO:0019497.

Submission:

Laboratory of Prof. Karen Avraham, Tel Aviv University
Classification: Pathogenic for Nonsyndromic genetic hearing loss. Last evaluated: 2016-02-19. Review status: no assertion criteria provided. Collection method: research. Allele origin: germline. Affected: yes.
Comment: Congenital, moderate; RP?

This is a novel recessive condition of NSHL, DFNB, caused by variants in USH2A, known previously to be involved in Usher syndrome type 2A.

NM_206933.2(USH2A):c.[240_241insGTAC];[3368A>G]

Variant type: CompoundHeterozygote.
Identifiers: ClinVar variation 424815 (VCV000424815.2).